The following is an entry in ClinVar:

NM_003611.3(OFD1):c.2789_2793del (p.Ile930fs)

Gene: OFD1 (OFD1 centriole and centriolar satellite protein; plus strand). Cytogenetic location: Xp22.2.
Variant type: Microsatellite.
Coding change: c.2789_2793del on transcript NM_003611.3 (MANE Select); coding-DNA positions 2789 to 2793, 5 bases deleted (TAAAA; older notation c.2789_2793delTAAAA).
Protein change: p.Ile930fs; shifts the reading frame from isoleucine 930.
Molecular consequence: frameshift variant.
Genome position (GRCh38, 1-based): chrX:13,768,085-13,768,089, TAAAA deleted; deleting any 5 consecutive bases within chrX:13,768,080-13,768,089 gives the same sequence; the c. name uses the placement nearest the transcript's 3' end. VCF-style (leftmost placement, unchanged base first): chrX-13768079-TTAAAA-T. GRCh37 (hg19) VCF-style: chrX-13786198-TTAAAA-T.
Other names: c.2669_2673del, p.Ile890fs (NM_001330209.2); c.2369_2373del, p.Ile790fs (NM_001330210.2); short protein forms I890fs, I930fs, I790fs.
Identifiers: ClinVar variation 208769 (VCV000208769.16), dbSNP rs797044945, ClinGen allele CA204862.

ClinVar aggregate classification (germline): Pathogenic. Review status: criteria provided, multiple submitters, no conflicts (2 of 4 stars). 4 submissions from 3 submitters: Pathogenic (3). 1 of the submissions does not count toward it. Last evaluated 2025-09-05.

Conditions:
Inborn genetic diseases. Identifiers: MedGen C0950123, MeSH D030342.
Orofaciodigital syndrome I (OFD1). Also called: Oral-Facial-Digital Syndrome Type I; Papillon-Leage and Psaume Syndrome; OFDS I. Identifiers: Orphanet 2750, MedGen C1510460, MONDO:0010702, OMIM 311200.
Joubert syndrome. Also called: JOUBERT-BOLTSHAUSER SYNDROME; Familial aplasia of the vermis. Identifiers: Orphanet 475, MedGen C5979921, MONDO:0018772.
Primary ciliary dyskinesia. Also called: Ciliary dyskinesia. Identifiers: Orphanet 244, MedGen C0008780, MONDO:0016575, HP:0012265.

Submissions (4):

Labcorp Genetics (formerly Invitae), Labcorp
Classification: Pathogenic for Orofaciodigital syndrome I; Joubert syndrome. Last evaluated: 2025-09-05. Review status: criteria provided, single submitter. Criteria: Invitae Variant Classification Sherloc (09022015). Collection method: clinical testing. Allele origin: germline.
Comment: This sequence change creates a premature translational stop signal (p.Ile930Lysfs*8) in the OFD1 gene. It is expected to result in an absent or disrupted protein product. Loss-of-function variants in OFD1 are known to be pathogenic (PMID: 16783569, 18546297, 27081566). This variant is not present in population databases (gnomAD no frequency). This premature translational stop signal has been observed in individual(s) with Joubert syndrome (PMID: 23036093, 25356970). In at least one individual the variant was observed to be de novo. For these reasons, this variant has been classified as Pathogenic.

Ambry Genetics
Classification: Pathogenic for Primary ciliary dyskinesia. Last evaluated: 2016-08-01. Review status: criteria provided, single submitter. Criteria: Ambry Variant Classification Scheme 2023. Collection method: clinical testing. Allele origin: germline.
Comment: The c.2789_2793delTAAAA pathogenic mutation, located in coding exon 21 of the OFD1 gene, results from a deletion of 5 nucleotides at nucleotide positions 2789 to 2793, causing a translational frameshift with a predicted alternate stop codon (p.I930Kfs*8). This mutation was first reported in an individual with clinical features consistent with Joubert syndrome, including macrocephaly, postaxial polydactyly, intellectual disability, molar tooth sign on brain MRI, chronic sinusitis and bronchitis, juvenile retinopathy, and obesity (Thauvin-Robinet C et al. Clin. Genet., 2013 Jul;84:86-90). This alteration is expected to result in loss of function by premature protein truncation or nonsense-mediated mRNA decay. As such, this alteration is interpreted as a disease-causing mutation.

Ambry Genetics
Classification: Pathogenic for Inborn genetic diseases. Last evaluated: 2013-10-25. Review status: criteria provided, single submitter. Criteria: Ambry Autosomal Dominant and X-Linked criteria (10/2015). Collection method: clinical testing. Allele origin: germline. Observed: 1 variant allele.

Yale Center for Mendelian Genomics, Yale University
Classification: Likely pathogenic for Primary ciliary dyskinesia. Last evaluated: 2019-09-01. Review status: no assertion criteria provided. Collection method: literature only. Allele origin: de novo. Affected: yes. Observed: 1 hemizygote. Study: Yale Center for Mendelian Genomics. Not counted in ClinVar's aggregate classification.

Literature cited by the submitters: PubMed 16783569 (cited by Labcorp Genetics (formerly Invitae), Labcorp); PubMed 18546297 (cited by Labcorp Genetics (formerly Invitae), Labcorp); PubMed 27081566 (cited by Labcorp Genetics (formerly Invitae), Labcorp); PubMed 23036093 (cited by Labcorp Genetics (formerly Invitae), Labcorp and Ambry Genetics); PubMed 25356970 (cited by Labcorp Genetics (formerly Invitae), Labcorp and Ambry Genetics); PubMed 31373179 (cited by Yale Center for Mendelian Genomics, Yale University).